The following is an entry in ClinVar:

ClinVar aggregate classification (germline): Uncertain significance (1 of 4 stars; one submission).

Submission:

GeneDx
Classification: Uncertain significance. Last evaluated: 2025-03-14. Review status: criteria provided, single submitter. Criteria: GeneDx Variant Classification Process June 2021. Collection method: clinical testing. Allele origin: germline. Affected: yes.
Comment: Not observed at significant frequency in large population cohorts (gnomAD); Has not been previously published as pathogenic or benign to our knowledge; In silico analysis does not support a benign or deleterious effect of this variant on protein structure/function

NM_001195263.2(PDZD7):c.1562G>A (p.Arg521Lys)

Gene: PDZD7 (PDZ domain containing 7; minus strand). Cytogenetic location: 10q24.31.
Variant type: single nucleotide variant.
Coding change: c.1562G>A on transcript NM_001195263.2 (MANE Select); coding-DNA position 1562, G replaced by A.
Protein change: p.Arg521Lys; replaces arginine 521 with lysine.
Molecular consequence: missense variant.
Genome position (GRCh38, 1-based): chr10:101,016,388, C>T on the plus strand (G>A on the coding strand, the complement: PDZD7 is on the minus strand). VCF-style: chr10-101016388-C-T. GRCh37 (hg19) VCF-style: chr10-102776145-C-T.
Other names: c.1559G>A, p.Arg520Lys (NM_001437429.1); short protein forms R520K, R521K.
Identifiers: ClinVar variation 4082908 (VCV004082908.1).